The following is an entry in ClinVar:

ClinVar aggregate classification (germline): Uncertain significance. Review status: criteria provided, multiple submitters, no conflicts (2 of 4 stars). 2 submissions from 2 submitters: Uncertain significance (2). Last evaluated 2025-11-26.

Conditions:
Inborn genetic diseases. Identifiers: MedGen C0950123, MeSH D030342.

Allele frequency attached by ClinVar (database versions not stated): gnomAD exomes below 0.00001; gnomAD 0.00001; TOPMed 0.00001.
gnomAD v4.1: 7 of 1,613,916 alleles (0.00043%); highest among the groups gnomAD compares: Non-Finnish European, 0.00059%; no homozygotes.

Submissions (2):

Ambry Genetics
Classification: Uncertain significance for Inborn genetic diseases. Last evaluated: 2025-11-26. Review status: criteria provided, single submitter. Criteria: Ambry Variant Classification Scheme 2023. Collection method: clinical testing. Allele origin: germline.

Labcorp Genetics (formerly Invitae), Labcorp
Classification: Uncertain significance. Last evaluated: 2025-03-17. Review status: criteria provided, single submitter. Criteria: Invitae Variant Classification Sherloc (09022015). Collection method: clinical testing. Allele origin: germline.
Comment: This sequence change replaces lysine, which is basic and polar, with arginine, which is basic and polar, at codon 683 of the ADAMTS18 protein (p.Lys683Arg). This variant is not present in population databases (gnomAD no frequency). This variant has not been reported in the literature in individuals affected with ADAMTS18-related conditions. ClinVar contains an entry for this variant (Variation ID: 1026600). An algorithm developed to predict the effect of missense changes on protein structure and function outputs the following: PolyPhen-2: "Benign". The arginine amino acid residue is found in multiple mammalian species, which suggests that this missense change does not adversely affect protein function. In summary, the available evidence is currently insufficient to determine the role of this variant in disease. Therefore, it has been classified as a Variant of Uncertain Significance.

NM_199355.4(ADAMTS18):c.2048A>G (p.Lys683Arg)

Gene: ADAMTS18 (ADAM metallopeptidase with thrombospondin type 1 motif 18; minus strand). Cytogenetic location: 16q23.1.
Variant type: single nucleotide variant.
Coding change: c.2048A>G on transcript NM_199355.4 (MANE Select); coding-DNA position 2048, A replaced by G.
Protein change: p.Lys683Arg; replaces lysine 683 with arginine.
Molecular consequence: missense variant.
Genome position (GRCh38, 1-based): chr16:77,322,451, T>C on the plus strand (A>G on the coding strand, the complement: ADAMTS18 is on the minus strand). VCF-style: chr16-77322451-T-C. GRCh37 (hg19) VCF-style: chr16-77356348-T-C.
Other names: c.1532A>G, p.Lys511Arg (NM_001326358.2); c.2048A>G (NM_199355.2); short protein forms K511R, K683R.
Identifiers: ClinVar variation 1026600 (VCV001026600.9), dbSNP rs1486353862, ClinGen allele CA396828688.